The following is an entry in ClinVar:

ClinVar aggregate classification (germline): Uncertain significance (0 of 4 stars; one submission).

Conditions:
HEPACAM-related disorder. Also called: HEPACAM-related condition.

Submission:

PreventionGenetics, part of Exact Sciences
Classification: Uncertain significance for HEPACAM-related condition. Last evaluated: 2024-06-25. Review status: no assertion criteria provided. Collection method: clinical testing. Allele origin: germline.
Comment: The HEPACAM c.1046G>T variant is predicted to result in the amino acid substitution p.Arg349Leu. To our knowledge, this variant has not been reported in the literature or in a large population database, indicating this variant is rare. At this time, the clinical significance of this variant is uncertain due to the absence of conclusive functional and genetic evidence.

NM_152722.5(HEPACAM):c.1046G>T (p.Arg349Leu)

Gene: HEPACAM (hepatic and glial cell adhesion molecule; minus strand). Cytogenetic location: 11q24.2.
Variant type: single nucleotide variant.
Coding change: c.1046G>T on transcript NM_152722.5 (MANE Select); coding-DNA position 1046, G replaced by T.
Protein change: p.Arg349Leu; replaces arginine 349 with leucine.
Molecular consequence: missense variant.
Genome position (GRCh38, 1-based): chr11:124,921,343, C>A on the plus strand (G>T on the coding strand, the complement: HEPACAM is on the minus strand). VCF-style: chr11-124921343-C-A. GRCh37 (hg19) VCF-style: chr11-124791239-C-A.
Other names: c.1202G>T, p.Arg401Leu (NM_001411043.1); short protein forms R349L, R401L.
Identifiers: ClinVar variation 3351006 (VCV003351006.1).
Genomic context (GRCh38, chr11:124,921,343, plus strand): 5'-GGGGAGCGCGCTGGGGAGCGCGGGTAGCGGCGGGCAGAGCGGATGGGCAGCCCCGGCGAG[C>A]GGCCGGGCACGGCGGGAGACACGGAGTAGCCGGGCGGGCCGGGCTCCGTCGCGCTTCGAG-3'
Protein context (NP_689935.2, residues 339-359): GYSVSPAVPG[Arg349Leu]SPGLPIRSAR